The following is an entry in ClinVar:

NM_017565.4(FAM20A):c.1286T>C (p.Leu429Pro)

Genes: FAM20A (FAM20A golgi associated secretory pathway pseudokinase; minus strand), PRKAR1A (protein kinase cAMP-dependent type I regulatory subunit alpha; plus strand). Cytogenetic location: 17q24.2.
Variant type: single nucleotide variant.
Coding change: c.1286T>C on transcript NM_017565.4 (MANE Select); coding-DNA position 1286, T replaced by C.
Protein change: p.Leu429Pro; replaces leucine 429 with proline.
Molecular consequence: missense variant. On other transcripts: non-coding transcript variant (1), intron variant (1).
Genome position (GRCh38, 1-based): chr17:68,539,900, A>G on the plus strand (T>C on the coding strand, the complement: FAM20A is on the minus strand). VCF-style: chr17-68539900-A-G. GRCh37 (hg19) VCF-style: chr17-66536041-A-G.
Other names: c.872T>C, p.Leu291Pro (NM_001243746.2); c.973+9899A>G (NM_001276290.1); short protein forms L291P, L429P.
Identifiers: ClinVar variation 2085989 (VCV002085989.3), dbSNP rs759779146, ClinGen allele CA8729713.
Genomic context (GRCh38, chr17:68,539,900, plus strand): 5'-CACATCTGGGAGAGGGGATTGTTGAACACACGTGGGGAAGCTCACCCTCTGGCGTTGTCA[A>G]GGTGAATAAGGAACCCATCATCCCCGAACTTGGTGAACATCTCATAATGGTGCCGGTCCA-3'
Protein context (NP_060035.2, residues 419-439): KFGDDGFLIH[Leu429Pro]DNARGFGRHS

ClinVar aggregate classification (germline): Uncertain significance. Review status: criteria provided, multiple submitters, no conflicts (2 of 4 stars). 3 submissions from 3 submitters: Uncertain significance (3). Last evaluated 2024-06-11.

Conditions:
Inborn genetic diseases. Identifiers: MedGen C0950123, MeSH D030342.
Amelogenesis imperfecta type 1G (AI1G). Also called: Amelogenesis imperfecta-gingival hyperplasia syndrome; Amelogenesis imperfecta nephrocalcinosis; Enamel renal syndrome; Absent enamel, nephrocalcinosis and apparently normal calcium metabolism; Generalized enamel hypoplasia and renal dysfunction; AMELOGENESIS IMPERFECTA, TYPE IG. Identifiers: Orphanet 1031, Orphanet 171836, MedGen C2931783, MONDO:0008771, OMIM 204690. Disease mechanism: loss of function.

Allele frequency attached by ClinVar (database versions not stated): gnomAD exomes 0.00001; gnomAD 0.00004; ExAC 0.00001; TOPMed 0.00010.
gnomAD v4.1: 21 of 1,614,036 alleles (0.0013%); highest among the groups gnomAD compares: Admixed American, 0.017%; no homozygotes.

Submissions (3):

Fulgent Genetics
Classification: Uncertain significance for Amelogenesis imperfecta type 1G. Last evaluated: 2024-06-11. Review status: criteria provided, single submitter. Criteria: ACMG Guidelines, 2015. Collection method: clinical testing. Allele origin: germline.

Ambry Genetics
Classification: Uncertain significance for Inborn genetic diseases. Last evaluated: 2023-11-21. Review status: criteria provided, single submitter. Criteria: Ambry Variant Classification Scheme 2023. Collection method: clinical testing. Allele origin: germline.

Labcorp Genetics (formerly Invitae), Labcorp
Classification: Uncertain significance. Last evaluated: 2022-08-20. Review status: criteria provided, single submitter. Criteria: Invitae Variant Classification Sherloc (09022015). Collection method: clinical testing. Allele origin: germline.
Comment: This sequence change replaces leucine, which is neutral and non-polar, with proline, which is neutral and non-polar, at codon 429 of the FAM20A protein (p.Leu429Pro). This variant is present in population databases (rs759779146, gnomAD 0.006%). This variant has not been reported in the literature in individuals affected with FAM20A-related conditions. Algorithms developed to predict the effect of missense changes on protein structure and function (SIFT, PolyPhen-2, Align-GVGD) all suggest that this variant is likely to be disruptive. In summary, the available evidence is currently insufficient to determine the role of this variant in disease. Therefore, it has been classified as a Variant of Uncertain Significance.